The following is an entry in ClinVar:

NM_000238.4(KCNH2):c.227G>T (p.Arg76Leu)

Gene: KCNH2 (potassium voltage-gated channel subfamily H member 2; minus strand). Cytogenetic location: 7q36.1.
Variant type: single nucleotide variant.
Coding change: c.227G>T on transcript NM_000238.4 (MANE Select); coding-DNA position 227, G replaced by T.
Protein change: p.Arg76Leu; replaces arginine 76 with leucine.
Molecular consequence: missense variant.
Genome position (GRCh38, 1-based): chr7:150,974,791, C>A on the plus strand (G>T on the coding strand, the complement: KCNH2 is on the minus strand). VCF-style: chr7-150974791-C-A. GRCh37 (hg19) VCF-style: chr7-150671879-C-A.
Other names: c.50G>T, p.Arg17Leu (NM_001406755.1); c.227G>T, p.Arg76Leu (NM_172056.3); short protein forms R76L, R17L.
Identifiers: ClinVar variation 629614 (VCV000629614.11), dbSNP rs868054429, ClinGen allele CA169090320.

ClinVar aggregate classification (germline): Uncertain significance. Review status: criteria provided, multiple submitters, no conflicts (2 of 4 stars). 4 submissions from 4 submitters: Uncertain significance (4). Last evaluated 2024-03-06.

Conditions:
Cardiovascular phenotype. Identifiers: MedGen CN230736.
Cardiac arrhythmia. Also called: Arrhythmia; Cardiac rhythm disease. Identifiers: MedGen C0003811, MONDO:0007263, HP:0011675.
Long QT syndrome 2 (LQT2). Identifiers: Orphanet 101016, Orphanet 768, MedGen C3150943, MONDO:0013367, OMIM 613688.
Short QT syndrome type 1. Identifiers: Orphanet 51083, MedGen C1865020, MONDO:0012312, OMIM 609620.
Long QT syndrome (LQTS). Identifiers: MedGen C0023976, MeSH D008133, MONDO:0002442. Disease mechanism: loss of function. Inheritance: Various modes of inheritance.

Submissions (4):

Color Diagnostics, LLC DBA Color Health
Classification: Uncertain significance for Cardiac arrhythmia. Last evaluated: 2024-03-06. Review status: criteria provided, single submitter. Criteria: ACMG Guidelines, 2015. Collection method: clinical testing. Allele origin: germline.
Comment: This missense variant replaces arginine with leucine at codon 76 of the KCNH2 protein. Computational prediction suggests that this variant may not impact protein structure and function (internally defined REVEL score threshold <= 0.5, PMID: 27666373). To our knowledge, functional studies have not been reported for this variant. This variant has not been reported in individuals affected with KCNH2-related disorders in the literature. This variant has not been identified in the general population by the Genome Aggregation Database (gnomAD). The available evidence is insufficient to determine the role of this variant in disease conclusively. Therefore, this variant is classified as a Variant of Uncertain Significance.

All of Us Research Program, National Institutes of Health
Classification: Uncertain significance for Long QT syndrome. Last evaluated: 2023-09-04. Review status: criteria provided, single submitter. Criteria: ACMG Guidelines, 2015. Collection method: clinical testing. Allele origin: germline. Inheritance: Autosomal dominant inheritance. Observed: 1 variant allele, 1 heterozygote.
Comment: Variant of Uncertain Significance due to insufficient evidence: This missense variant is located in the cytoplasmic domain of the KCNH2 protein. Computational prediction tools and conservation analyses are inconclusive regarding the impact of this variant on the protein function. Computational splicing tools suggest that this variant may not impact RNA splicing. To our knowledge, functional assays have not been performed for this variant nor has this variant been reported in individuals affected with cardiovascular disorders in the literature. This variant is rare in the general population and has been identified in 0/277264 chromosomes by the Genome Aggregation Database (gnomAD). Available evidence is insufficient to determine the pathogenicity of this variant conclusively.

This study involves interpretation of variants in research participants for the purpose of population health screening. Participant phenotype was not available at the time of variant classification. Additional details can be found in publication PMID: 35346344, PMCID: PMC8962531

Ambry Genetics
Classification: Uncertain significance for Cardiovascular phenotype. Last evaluated: 2022-03-31. Review status: criteria provided, single submitter. Criteria: Ambry Variant Classification Scheme 2023. Collection method: clinical testing. Allele origin: germline.
Comment: The p.R76L variant (also known as c.227G>T), located in coding exon 2 of the KCNH2 gene, results from a G to T substitution at nucleotide position 227. The arginine at codon 76 is replaced by leucine, an amino acid with dissimilar properties. This amino acid position is well conserved in available vertebrate species. In addition, the in silico prediction for this alteration is inconclusive. Since supporting evidence is limited at this time, the clinical significance of this alteration remains unclear.

Fulgent Genetics
Classification: Uncertain significance for Short QT syndrome type 1; Long QT syndrome 2. Last evaluated: 2021-09-22. Review status: criteria provided, single submitter. Criteria: ACMG Guidelines, 2015. Collection method: clinical testing. Allele origin: unknown.